The following is an entry in ClinVar:

ClinVar aggregate classification (germline): Uncertain significance. Review status: criteria provided, single submitter (1 of 4 stars). 2 submissions from 2 submitters: Uncertain significance (1). 1 of the submissions does not count toward it. Last evaluated 2021-08-24.

Conditions:
Glycogen storage disease, type II (IOPD). Also called: GLYCOGENOSIS, GENERALIZED, CARDIAC FORM; GSD II; Glucosidase acid-1,4-alpha deficiency; CARDIOMEGALIA GLYCOGENICA DIFFUSA; Pompe Disease; POMPE DISEASE, INFANTILE-ONSET. Identifiers: Orphanet 365, MedGen C0017921, MONDO:0009290, OMIM 232300.

Allele frequency attached by ClinVar (database versions not stated): gnomAD exomes below 0.00001 and 0.00002; gnomAD 0.00001; TOPMed 0.00001; ExAC 0.00002.
gnomAD v4.1: 12 of 1,601,770 alleles (0.00075%); highest among the groups gnomAD compares: East Asian, 0.027%; no homozygotes.

Submissions (2):

Labcorp Genetics (formerly Invitae), Labcorp
Classification: Uncertain significance for Glycogen storage disease, type II. Last evaluated: 2021-08-24. Review status: criteria provided, single submitter. Criteria: Invitae Variant Classification Sherloc (09022015). Collection method: clinical testing. Allele origin: germline.
Comment: This sequence change replaces glutamine with arginine at codon 693 of the GAA protein (p.Gln693Arg). The glutamine residue is moderately conserved and there is a small physicochemical difference between glutamine and arginine. This variant is present in population databases (rs779338215, ExAC 0.02%). This variant has not been reported in the literature in individuals affected with GAA-related conditions. Algorithms developed to predict the effect of missense changes on protein structure and function output the following: SIFT: "Tolerated"; PolyPhen-2: "Benign"; Align-GVGD: "Class C0". The arginine amino acid residue is found in multiple mammalian species, which suggests that this missense change does not adversely affect protein function. In summary, the available evidence is currently insufficient to determine the role of this variant in disease. Therefore, it has been classified as a Variant of Uncertain Significance.

Natera, Inc.
Classification: Uncertain significance for Glycogen storage disease type II. Last evaluated: 2020-09-22. Review status: no assertion criteria provided. Collection method: clinical testing. Allele origin: germline. Not counted in ClinVar's aggregate classification.

NM_000152.5(GAA):c.2078A>G (p.Gln693Arg)

Gene: GAA (alpha glucosidase; plus strand). Cytogenetic location: 17q25.3.
Variant type: single nucleotide variant.
Coding change: c.2078A>G on transcript NM_000152.5 (MANE Select); coding-DNA position 2078, A replaced by G.
Protein change: p.Gln693Arg; replaces glutamine 693 with arginine.
Molecular consequence: missense variant.
Genome position (GRCh38, 1-based): chr17:80,113,255, A>G. VCF-style: chr17-80113255-A-G. GRCh37 (hg19) VCF-style: chr17-78087054-A-G.
Other names: c.2078A>G, p.Gln693Arg (NM_001079803.3, NM_001079804.3); short protein forms Q693R.
Identifiers: ClinVar variation 1051246 (VCV001051246.10), dbSNP rs779338215, ClinGen allele CA8815608.
Genomic context (GRCh38, chr17:80,113,255, plus strand): 5'-CTTTGCCCCCGCCTGCCCTGCAGCCCCAGGAGCCGTACAGCTTCAGCGAGCCGGCCCAGC[A>G]GGCCATGAGGAAGGCCCTCACCCTGCGCTACGCACTCCTCCCCCACCTCTACACACTGTT-3'
Protein context (NP_000143.2, residues 683-703): EPYSFSEPAQ[Gln693Arg]AMRKALTLRY